The following is an entry in ClinVar:

ClinVar aggregate classification (germline): Conflicting classifications of pathogenicity. Review status: criteria provided, conflicting classifications (1 of 4 stars). 8 submissions from 8 submitters: Uncertain significance (7); Benign (1). Last evaluated 2025-12-07.

Conditions:
Hereditary nonpolyposis colorectal neoplasms. Identifiers: MedGen C0009405, MeSH D003123.
Hereditary cancer-predisposing syndrome. Also called: Hereditary neoplastic syndrome; Hereditary Cancer Syndrome; Neoplastic Syndromes, Hereditary; Tumor predisposition. Identifiers: Orphanet 140162, MedGen C0027672, MeSH D009386, MONDO:0015356.
Ovarian cancer. Also called: OVARIAN CANCER, SOMATIC. Identifiers: Orphanet 213500, MedGen C1140680, MONDO:0008170, OMIM 167000.
Lynch syndrome. Identifiers: Orphanet 144, MedGen C4552100, MONDO:0005835. Disease mechanism: loss of function.

Allele frequency attached by ClinVar (database versions not stated): gnomAD exomes below 0.00001.
gnomAD v4.1: 4 of 1,611,998 alleles (0.00025%); highest among the groups gnomAD compares: Non-Finnish European, 0.000085%; no homozygotes.

Submissions (8):

Ambry Genetics
Classification: Uncertain significance for Hereditary cancer-predisposing syndrome. Last evaluated: 2025-12-07. Review status: criteria provided, single submitter. Criteria: Ambry Variant Classification Scheme 2023. Collection method: clinical testing. Allele origin: germline.
Comment: The p.I967V variant (also known as c.2899A>G), located in coding exon 4 of the MSH6 gene, results from an A to G substitution at nucleotide position 2899. The isoleucine at codon 967 is replaced by valine, an amino acid with highly similar properties. This amino acid position is not well conserved in available vertebrate species. In addition, this alteration is predicted to be tolerated by in silico analysis. Since supporting evidence is limited at this time, the clinical significance of this alteration remains unclear.

Labcorp Genetics (formerly Invitae), Labcorp
Classification: Uncertain significance for Hereditary nonpolyposis colorectal neoplasms. Last evaluated: 2024-08-24. Review status: criteria provided, single submitter. Criteria: Invitae Variant Classification Sherloc (09022015). Collection method: clinical testing. Allele origin: germline.
Comment: This sequence change replaces isoleucine, which is neutral and non-polar, with valine, which is neutral and non-polar, at codon 967 of the MSH6 protein (p.Ile967Val). This variant is not present in population databases (gnomAD no frequency). This variant has not been reported in the literature in individuals affected with MSH6-related conditions. ClinVar contains an entry for this variant (Variation ID: 234533). Invitae Evidence Modeling of protein sequence and biophysical properties (such as structural, functional, and spatial information, amino acid conservation, physicochemical variation, residue mobility, and thermodynamic stability) indicates that this missense variant is not expected to disrupt MSH6 protein function with a negative predictive value of 95%. In summary, the available evidence is currently insufficient to determine the role of this variant in disease. Therefore, it has been classified as a Variant of Uncertain Significance.

Color Diagnostics, LLC DBA Color Health
Classification: Uncertain significance for Hereditary cancer-predisposing syndrome. Last evaluated: 2024-03-06. Review status: criteria provided, single submitter. Criteria: ACMG Guidelines, 2015. Collection method: clinical testing. Allele origin: germline.
Comment: This missense variant replaces isoleucine with valine at codon 967 of the MSH6 protein. Computational prediction suggests that this variant may not impact protein structure and function. To our knowledge, functional studies have not been reported for this variant. This variant has not been reported in individuals affected with hereditary cancer in the literature. This variant has not been identified in the general population by the Genome Aggregation Database (gnomAD). The available evidence is insufficient to determine the role of this variant in disease conclusively. Therefore, this variant is classified as a Variant of Uncertain Significance.

All of Us Research Program, National Institutes of Health
Classification: Uncertain significance for Lynch syndrome. Last evaluated: 2023-03-28. Review status: criteria provided, single submitter. Criteria: ACMG Guidelines, 2015. Collection method: clinical testing. Allele origin: germline. Inheritance: Autosomal dominant inheritance. Observed: 3 variant alleles, 3 heterozygotes.
Comment: This missense variant replaces isoleucine with valine at codon 967 of the MSH6 protein. Computational prediction suggests that this variant may not impact protein structure and function (internally defined REVEL score threshold <= 0.5, PMID: 27666373). To our knowledge, functional studies have not been reported for this variant. This variant has not been reported in individuals affected with hereditary cancer in the literature. This variant has not been identified in the general population by the Genome Aggregation Database (gnomAD). The available evidence is insufficient to determine the role of this variant in disease conclusively. Therefore, this variant is classified as a Variant of Uncertain Significance.

This study involves interpretation of variants in research participants for the purpose of population health screening. Participant phenotype was not available at the time of variant classification. Additional details can be found in publication PMID: 35346344, PMCID: PMC8962531

Mendelics
Classification: Uncertain significance. Last evaluated: 2022-05-04. Review status: criteria provided, single submitter. Criteria: Mendelics Assertion Criteria 2019. Collection method: clinical testing. Allele origin: germline.

Laboratory of Molecular Epidemiology of Birth Defects, West China Second University Hospital, Sichuan University
Classification: Benign for Ovarian cancer. Last evaluated: 2022-01-01. Review status: criteria provided, single submitter. Criteria: ACMG Guidelines, 2015. Collection method: clinical testing. Allele origin: germline. Affected: yes.

GeneDx
Classification: Uncertain significance. Last evaluated: 2018-03-29. Review status: criteria provided, single submitter. Criteria: GeneDx Variant Classification (06012015). Collection method: clinical testing. Allele origin: germline. Affected: yes.
Comment: This variant is denoted MSH6 c.2899A>G at the cDNA level, p.Ile967Val (I967V) at the protein level, and results in the change of an Isoleucine to a Valine (ATA>GTA). This variant has not, to our knowledge, been published in the literature as pathogenic or benign. MSH6 Ile967Val was not observed in large population cohorts (Lek 2016). This variant is located in the clamp domain (Warren 2007, Kansikas 2011). In silico analysis, which includes protein predictors and evolutionary conservation, supports that this variant does not alter protein structure/function. Based on currently available evidence, it is unclear whether MSH6 Ile967Val is a pathogenic or benign variant. We consider it to be a variant of uncertain significance.

Quest Diagnostics Nichols Institute San Juan Capistrano
Classification: Uncertain significance. Last evaluated: 2016-12-01. Review status: criteria provided, single submitter. Criteria: Quest Diagnostics criteria. Collection method: clinical testing. Allele origin: germline.

NM_000179.3(MSH6):c.2899A>G (p.Ile967Val)

Gene: MSH6 (mutS homolog 6; plus strand). Cytogenetic location: 2p16.3.
Variant type: single nucleotide variant.
Coding change: c.2899A>G on transcript NM_000179.3 (MANE Select); coding-DNA position 2899, A replaced by G.
Protein change: p.Ile967Val; replaces isoleucine 967 with valine.
Molecular consequence: missense variant.
Genome position (GRCh38, 1-based): chr2:47,800,882, A>G. VCF-style: chr2-47800882-A-G. GRCh37 (hg19) VCF-style: chr2-48028021-A-G.
Other names: c.2509A>G, p.Ile837Val (NM_001281492.2); c.1993A>G, p.Ile665Val (NM_001281493.2, NM_001281494.2); short protein forms I967V, I837V, I665V.
Identifiers: ClinVar variation 234533 (VCV000234533.20), dbSNP rs876661067, ClinGen allele CA10577283.